The following is an entry in ClinVar:

ClinVar aggregate classification (germline): Uncertain significance (1 of 4 stars; one submission).

Submission:

Ambry Genetics
Classification: Uncertain significance. Last evaluated: 2024-01-26. Review status: criteria provided, single submitter. Criteria: Ambry Variant Classification Scheme 2023. Collection method: clinical testing. Allele origin: germline.
Comment: The p.M1189L variant (also known as c.3565A>T), located in coding exon 4 of the MLH3 gene, results from an A to T substitution at nucleotide position 3565. The methionine at codon 1189 is replaced by leucine, an amino acid with highly similar properties. This amino acid position is conserved. In addition, this alteration is predicted to be tolerated by in silico analysis. Based on the available evidence, the clinical significance of this alteration remains unclear.

NM_001040108.2(MLH3):c.3565A>T (p.Met1189Leu)

Gene: MLH3 (mutL homolog 3; minus strand). Cytogenetic location: 14q24.3.
Variant type: single nucleotide variant.
Coding change: c.3565A>T on transcript NM_001040108.2 (MANE Select); coding-DNA position 3565, A replaced by T.
Protein change: p.Met1189Leu; replaces methionine 1189 with leucine.
Molecular consequence: missense variant.
Genome position (GRCh38, 1-based): chr14:75,039,916, T>A on the plus strand (A>T on the coding strand, the complement: MLH3 is on the minus strand). VCF-style: chr14-75039916-T-A. GRCh37 (hg19) VCF-style: chr14-75506619-T-A.
Other names: c.3565A>T, p.Met1189Leu (NM_014381.3); short protein forms M1189L.
Identifiers: ClinVar variation 3232547 (VCV003232547.1), dbSNP rs557233869, ClinGen allele CA263645046.
Genomic context (GRCh38, chr14:75,039,916, plus strand): 5'-TATATATATATATATATATATATATATTTATGAGATTTTGAAGTTAATCTTTTACCTGCA[T>A]TGAATGAATCATTCCTTTGGTGAAACGATAGGGATACAAGATGTTGTGAATTTTAACTGC-3'
Protein context (NP_001035197.1, residues 1179-1199): YRFTKGMIHS[Met1189Leu]QVLQQVDNKF